The following is an entry in ClinVar:

NM_025144.4(ALPK1):c.475+4T>A

Gene: ALPK1 (alpha kinase 1; plus strand). Cytogenetic location: 4q25.
Variant type: single nucleotide variant.
Coding change: c.475+4T>A on transcript NM_025144.4 (MANE Select); 4 bases into the intron after coding-DNA position 475, T replaced by A.
Molecular consequence: intron variant.
Genome position (GRCh38, 1-based): chr4:112,412,029, T>A. VCF-style: chr4-112412029-T-A. GRCh37 (hg19) VCF-style: chr4-113333185-T-A.
Other names: c.475+4T>A (NM_001102406.2); c.241+4T>A (NM_001253884.2).
Identifiers: ClinVar variation 2028193 (VCV002028193.4), dbSNP rs2476468494, ClinGen allele CA2580071358.

ClinVar aggregate classification (germline): Uncertain significance (1 of 4 stars; one submission).

Allele frequency attached by ClinVar (database versions not stated): gnomAD exomes below 0.00001.
gnomAD v4.1: 1 of 1,613,754 alleles (0.000062%); highest among the groups gnomAD compares: Non-Finnish European, 0.000085%; no homozygotes.

Submission:

Labcorp Genetics (formerly Invitae), Labcorp
Classification: Uncertain significance. Last evaluated: 2022-09-12. Review status: criteria provided, single submitter. Criteria: Invitae Variant Classification Sherloc (09022015). Collection method: clinical testing. Allele origin: germline.
Comment: In summary, the available evidence is currently insufficient to determine the role of this variant in disease. Therefore, it has been classified as a Variant of Uncertain Significance. Variants that disrupt the consensus splice site are a relatively common cause of aberrant splicing (PMID: 17576681, 9536098). Algorithms developed to predict the effect of sequence changes on RNA splicing suggest that this variant is not likely to affect RNA splicing. This sequence change falls in intron 5 of the ALPK1 gene. It does not directly change the encoded amino acid sequence of the ALPK1 protein. It affects a nucleotide within the consensus splice site. This variant is not present in population databases (gnomAD no frequency). This variant has not been reported in the literature in individuals affected with ALPK1-related conditions.

Literature cited by the submitters: PubMed 17576681; PubMed 9536098.